The following is an entry in ClinVar:

NM_000142.5(FGFR3):c.449C>A (p.Ala150Asp)

Gene: FGFR3 (fibroblast growth factor receptor 3; plus strand). Cytogenetic location: 4p16.3.
Variant type: single nucleotide variant.
Coding change: c.449C>A on transcript NM_000142.5 (MANE Select); coding-DNA position 449, C replaced by A.
Protein change: p.Ala150Asp; replaces alanine 150 with aspartic acid.
Molecular consequence: missense variant. On other transcripts: non-coding transcript variant (1).
Genome position (GRCh38, 1-based): chr4:1,801,370, C>A. VCF-style: chr4-1801370-C-A. GRCh37 (hg19) VCF-style: chr4-1803097-C-A.
Other names: c.449C>A, p.Ala150Asp (NM_001163213.2, NM_001354809.2, NM_001354810.2 and 1 more transcripts); short protein forms A150D.
Identifiers: ClinVar variation 1680010 (VCV001680010.8), dbSNP rs2108780220, ClinGen allele CA355974761.

ClinVar aggregate classification (germline): Uncertain significance (1 of 4 stars; one submission).

Submission:

Labcorp Genetics (formerly Invitae), Labcorp
Classification: Uncertain significance. Last evaluated: 2021-07-06. Review status: criteria provided, single submitter. Criteria: Invitae Variant Classification Sherloc (09022015). Collection method: clinical testing. Allele origin: germline.
Comment: This sequence change replaces alanine with aspartic acid at codon 150 of the FGFR3 protein (p.Ala150Asp). The alanine residue is moderately conserved and there is a moderate physicochemical difference between alanine and aspartic acid. The frequency data for this variant in the population databases is considered unreliable, as metrics indicate insufficient coverage at this position in the ExAC database. This variant has not been reported in the literature in individuals with FGFR3-related conditions. Algorithms developed to predict the effect of missense changes on protein structure and function are either unavailable or do not agree on the potential impact of this missense change (SIFT: "Deleterious"; PolyPhen-2: "Possibly Damaging"; Align-GVGD: "Class C0"). In summary, the available evidence is currently insufficient to determine the role of this variant in disease. Therefore, it has been classified as a Variant of Uncertain Significance.